The following is an entry in ClinVar:

NM_001162501.2(TNRC6B):c.2995G>C (p.Glu999Gln)

Gene: TNRC6B (trinucleotide repeat containing adaptor 6B; plus strand). Cytogenetic location: 22q13.1.
Variant type: single nucleotide variant.
Coding change: c.2995G>C on transcript NM_001162501.2 (MANE Select); coding-DNA position 2995, G replaced by C.
Protein change: p.Glu999Gln; replaces glutamic acid 999 with glutamine.
Molecular consequence: missense variant.
Genome position (GRCh38, 1-based): chr22:40,273,454, G>C. VCF-style: chr22-40273454-G-C. GRCh37 (hg19) VCF-style: chr22-40669458-G-C.
Other names: c.754G>C, p.Glu252Gln (NM_001024843.2); c.2836G>C, p.Glu946Gln (NM_015088.3); short protein forms E252Q, E946Q, E999Q.
Identifiers: ClinVar variation 1709060 (VCV001709060.2), dbSNP rs777506398, ClinGen allele CA411644561.
Genomic context (GRCh38, chr22:40,273,454, plus strand): 5'-TGCAAAGAGTTAATTCATTCTTTCCTTAAAGATTCCAAATCTATGCAAGACGGCTGGGGG[G>C]AGAGTGACGGGCCAGTCACAGGAGCTCGCCATCCCAGCTGGGAAGAGGAGGAGGATGGAG-3'
Protein context (NP_001155973.1, residues 989-1009): NSKSMQDGWG[Glu999Gln]SDGPVTGARH

ClinVar aggregate classification (germline): Uncertain significance (1 of 4 stars; one submission).

Conditions:
Global developmental delay with speech and behavioral abnormalities. Identifiers: MedGen C5543226, MONDO:0030995, OMIM 619243.

Submission:

MGZ Medical Genetics Center
Classification: Uncertain significance for Global developmental delay with speech and behavioral abnormalities. Last evaluated: 2022-02-25. Review status: criteria provided, single submitter. Criteria: ACMG Guidelines, 2015. Collection method: clinical testing. Allele origin: germline. Affected: yes. Observed: 1 variant allele.
Comment: ACMG criteria applied: PM2_SUP, BP4